The following is an entry in ClinVar:

ClinVar aggregate classification (germline): Uncertain significance (1 of 4 stars; one submission).

Submission:

Labcorp Genetics (formerly Invitae), Labcorp
Classification: Uncertain significance. Last evaluated: 2019-11-12. Review status: criteria provided, single submitter. Criteria: Invitae Variant Classification Sherloc (09022015). Collection method: clinical testing. Allele origin: germline.
Comment: A gross duplication of the genomic region encompassing the full coding sequence of the COL4A2 gene has been identified. The boundaries of this event are unknown as the duplication extends beyond the assayed region for this gene and therefore may encompass additional genes. As the precise location of this duplication is unknown, it may be in tandem or it may be located elsewhere in the genome. A similar duplication has not been reported in the literature in individuals with COL4A2-related disease. In summary, the available evidence is currently insufficient to determine the role of this variant in disease. Therefore, it has been classified as a Variant of Uncertain Significance.

NC_000013.11:g.(?_110449679)_(110524197_?)dup

Genes: COL4A2 (collagen type IV alpha 2 chain; plus strand), RAB20 (RAB20, member RAS oncogene family; minus strand). Cytogenetic location: 13q34.
Variant type: Duplication.
Identifiers: ClinVar variation 833214 (VCV000833214.1).